The following is an entry in ClinVar:

NM_005097.4(LGI1):c.1164C>T (p.Val388=)

Gene: LGI1 (leucine rich glioma inactivated 1; plus strand). Cytogenetic location: 10q23.33.
Variant type: single nucleotide variant.
Coding change: c.1164C>T on transcript NM_005097.4 (MANE Select); coding-DNA position 1164, C replaced by T.
Protein change: p.Val388=; no amino-acid change (valine 388 retained).
Molecular consequence: synonymous variant. On other transcripts: non-coding transcript variant (1), intron variant (1).
Genome position (GRCh38, 1-based): chr10:93,797,293, C>T. VCF-style: chr10-93797293-C-T. GRCh37 (hg19) VCF-style: chr10-95557050-C-T.
Other names: c.1020C>T, p.Val340= (NM_001308276.2); c.839-456C>T (NM_001308275.2).
Identifiers: ClinVar variation 386441 (VCV000386441.1), dbSNP rs1057522503, ClinGen allele CA16605736.

ClinVar aggregate classification (germline): Likely benign (1 of 4 stars; one submission).

Allele frequency attached by ClinVar (database versions not stated): gnomAD exomes below 0.00001; gnomAD 0.00001; TOPMed 0.00001.
gnomAD v4.1: 2 of 1,614,058 alleles (0.00012%); highest among the groups gnomAD compares: South Asian, 0.0011%; no homozygotes.

Submission:

GeneDx
Classification: Likely benign. Last evaluated: 2016-06-06. Review status: criteria provided, single submitter. Criteria: GeneDx Variant Classification (06012015). Collection method: clinical testing. Allele origin: germline. Affected: yes.
Comment: This variant is considered likely benign or benign based on one or more of the following criteria: it is a conservative change, it occurs at a poorly conserved position in the protein, it is predicted to be benign by multiple in silico algorithms, and/or has population frequency not consistent with disease.